The following is an entry in ClinVar:

NM_014991.6(WDFY3):c.1204A>G (p.Ile402Val)

Gene: WDFY3 (WD repeat and FYVE domain containing 3; minus strand). Cytogenetic location: 4q21.23.
Variant type: single nucleotide variant.
Coding change: c.1204A>G on transcript NM_014991.6 (MANE Select); coding-DNA position 1204, A replaced by G.
Protein change: p.Ile402Val; replaces isoleucine 402 with valine.
Molecular consequence: missense variant.
Genome position (GRCh38, 1-based): chr4:84,821,471, T>C on the plus strand (A>G on the coding strand, the complement: WDFY3 is on the minus strand). VCF-style: chr4-84821471-T-C. GRCh37 (hg19) VCF-style: chr4-85742624-T-C.
Other names: short protein forms I402V.
Identifiers: ClinVar variation 3035688 (VCV003035688.3), dbSNP rs148796909, ClinGen allele CA2994011.
Genomic context (GRCh38, chr4:84,821,471, plus strand): 5'-CTAGGATGAAGTAATTGGCATTGTCAGCCATGTAAATATTTGTGATAGCATCAAGGATGA[T>C]TTGGGCAAGGAAGCTGGTTTTTGCTTTTAAAAATGCATTCTGAAGAACTGCAAAGGCCTG-3'
Protein context (NP_055806.2, residues 392-412): LKAKTSFLAQ[Ile402Val]ILDAITNIYM

ClinVar aggregate classification (germline): Likely benign. Review status: criteria provided, single submitter (1 of 4 stars). 2 submissions from 2 submitters: Likely benign (1). 1 of the submissions does not count toward it. Last evaluated 2025-04-19.

Conditions:
Inborn genetic diseases. Identifiers: MedGen C0950123, MeSH D030342.
WDFY3-related disorder.

Allele frequency attached by ClinVar (database versions not stated): gnomAD exomes 0.00026; TOPMed 0.00265; ESP Exome Variant Server 0.00308; gnomAD 0.00222; ExAC 0.00070; 1000 Genomes Project 0.00140; 1000 Genomes Project 30x 0.00250.
gnomAD v4.1: 721 of 1,613,866 alleles (0.045%); highest among the groups gnomAD compares: African/African-American, 0.88%; 2 homozygotes.

Submissions (2):

Ambry Genetics
Classification: Likely benign for Inborn genetic diseases. Last evaluated: 2025-04-19. Review status: criteria provided, single submitter. Criteria: Ambry Variant Classification Scheme 2023. Collection method: clinical testing. Allele origin: germline.

PreventionGenetics, part of Exact Sciences
Classification: Likely benign for WDFY3-related condition. Last evaluated: 2019-04-16. Review status: no assertion criteria provided. Collection method: clinical testing. Allele origin: germline. Not counted in ClinVar's aggregate classification.
Comment: This variant is classified as likely benign based on ACMG/AMP sequence variant interpretation guidelines (Richards et al. 2015 PMID: 25741868, with internal and published modifications).